The following is an entry in ClinVar:

NM_024496.4(IRF2BPL):c.1412G>A (p.Trp471Ter)

Gene: IRF2BPL (interferon regulatory factor 2 binding protein like; minus strand). Cytogenetic location: 14q24.3.
Variant type: single nucleotide variant.
Coding change: c.1412G>A on transcript NM_024496.4 (MANE Select); coding-DNA position 1412, G replaced by A.
Protein change: p.Trp471Ter; replaces tryptophan 471 with a stop codon.
Molecular consequence: nonsense.
Genome position (GRCh38, 1-based): chr14:77,026,381, C>T on the plus strand (G>A on the coding strand, the complement: IRF2BPL is on the minus strand). VCF-style: chr14-77026381-C-T. GRCh37 (hg19) VCF-style: chr14-77492724-C-T.
Other names: short protein forms W471*.
Identifiers: ClinVar variation 2273930 (VCV002273930.2), dbSNP rs2503075725, ClinGen allele CA390494308.
Genomic context (GRCh38, chr14:77,026,381, plus strand): 5'-CCGGGCACGCCCTCCTTGAAGAAGCGCACGGCTTCGGGGAGCAGGTCTCCAAGCAGGCGC[C>T]AGTCCCCGGAGCCGTGCTTCTTTTCGTACTCCAGGTACTTGAAACCCGAGGATAGGCCCC-3'

ClinVar aggregate classification (germline): Likely pathogenic (1 of 4 stars; one submission).

Conditions:
Inborn genetic diseases. Identifiers: MedGen C0950123, MeSH D030342.

Submission:

Ambry Genetics
Classification: Likely pathogenic for Inborn genetic diseases. Last evaluated: 2022-03-04. Review status: criteria provided, single submitter. Criteria: Ambry Variant Classification Scheme 2023. Collection method: clinical testing. Allele origin: germline.
Comment: The c.1412G>A (p.W471*) alteration, located in exon 1 (coding exon 1) of the IRF2BPL gene, consists of a G to A substitution at nucleotide position 1412. This changes the amino acid from a tryptophan (W) to a stop codon at amino acid position 471. Premature stop codons are typically deleterious in nature; however, because IRF2BPL is a single-exon gene this alteration is not expected to trigger nonsense-mediated mRNA decay and a truncated protein could still be expressed (Maquat, 2004). This alteration removes the last 325 amino acids of the protein and the exact functional impact of these amino acids is unknown at this time; however, structural analysis suggests this variant disrupts a functional motif. This variant was not reported in population-based cohorts in the Genome Aggregation Database (gnomAD). Based on the available evidence, this alteration is classified as likely pathogenic.